The following is an entry in ClinVar:

NM_001289104.2(PRKCSH):c.251C>T (p.Pro84Leu)

Gene: PRKCSH (PRKCSH beta subunit of glucosidase II; plus strand). Cytogenetic location: 19p13.2.
Variant type: single nucleotide variant.
Coding change: c.251C>T on transcript NM_001289104.2 (MANE Select); coding-DNA position 251, C replaced by T.
Protein change: p.Pro84Leu; replaces proline 84 with leucine.
Molecular consequence: missense variant.
Genome position (GRCh38, 1-based): chr19:11,437,930, C>T. VCF-style: chr19-11437930-C-T. GRCh37 (hg19) VCF-style: chr19-11548751-C-T.
Other names: c.251C>T (NM_002743.2); c.251C>T, p.Pro84Leu (NM_001001329.3, NM_001289102.2, NM_001289103.2 and 3 more transcripts); short protein forms P84L.
Identifiers: ClinVar variation 1409228 (VCV001409228.12), dbSNP rs370857637, ClinGen allele CA9212755.
Genomic context (GRCh38, chr19:11,437,930, plus strand): 5'-TCACAGGCACGGCTGCCTGTCCTAATGGCAGCTTCCACTGCACCAACACTGGCTATAAGC[C>T]CCTGTATATCCCCTCCAACCGGGTCAACGATGGTGTTTGTGGTAAGTGAAGATGCACCAG-3'
Protein context (NP_001276033.1, residues 74-94): SFHCTNTGYK[Pro84Leu]LYIPSNRVND

ClinVar aggregate classification (germline): Conflicting classifications of pathogenicity. Review status: criteria provided, conflicting classifications (1 of 4 stars). 6 submissions from 6 submitters: Uncertain significance (4); Likely benign (2). Last evaluated 2026-07-01.

Conditions:
Inborn genetic diseases. Identifiers: MedGen C0950123, MeSH D030342.
Polycystic liver disease 1 (PCLD1). Also called: Polycystic liver disease 1 with or without kidney cysts. Identifiers: Orphanet 2924, MedGen C0887850, MONDO:0008265, OMIM 174050.

Allele frequency attached by ClinVar (database versions not stated): ExAC 0.00003; gnomAD exomes 0.00004 and 0.00007; gnomAD 0.00007 and 0.00009; TOPMed 0.00017; ESP Exome Variant Server 0.00023.
gnomAD v4.1: 123 of 1,614,010 alleles (0.0076%); highest among the groups gnomAD compares: Admixed American, 0.03%; no homozygotes.

Submissions (6):

CeGaT Center for Human Genetics Tuebingen
Classification: Likely benign. Last evaluated: 2026-07-01. Review status: criteria provided, single submitter. Criteria: CeGaT Center For Human Genetics Tuebingen Variant Classification Criteria Version 2. Collection method: clinical testing. Allele origin: germline. Affected: yes. Observed: 1 variant allele.
Comment: PRKCSH: BS2

Fulgent Genetics
Classification: Likely benign for Polycystic liver disease 1. Last evaluated: 2024-03-08. Review status: criteria provided, single submitter. Criteria: ACMG Guidelines, 2015. Collection method: clinical testing. Allele origin: germline.

GeneDx
Classification: Uncertain significance. Last evaluated: 2023-11-22. Review status: criteria provided, single submitter. Criteria: GeneDx Variant Classification Process June 2021. Collection method: clinical testing. Allele origin: germline.
Comment: In silico analysis supports that this missense variant has a deleterious effect on protein structure/function; Has not been previously published as pathogenic or benign to our knowledge

Ambry Genetics
Classification: Uncertain significance for Inborn genetic diseases. Last evaluated: 2022-04-12. Review status: criteria provided, single submitter. Criteria: Ambry Variant Classification Scheme 2023. Collection method: clinical testing. Allele origin: germline.

Labcorp Genetics (formerly Invitae), Labcorp
Classification: Uncertain significance. Last evaluated: 2021-09-24. Review status: criteria provided, single submitter. Criteria: Invitae Variant Classification Sherloc (09022015). Collection method: clinical testing. Allele origin: germline.
Comment: This sequence change replaces proline with leucine at codon 84 of the PRKCSH protein (p.Pro84Leu). The proline residue is highly conserved and there is a moderate physicochemical difference between proline and leucine. This variant is present in population databases (rs370857637, ExAC 0.02%). This variant has not been reported in the literature in individuals affected with PRKCSH-related conditions. Algorithms developed to predict the effect of missense changes on protein structure and function (SIFT, PolyPhen-2, Align-GVGD) all suggest that this variant is likely to be disruptive. In summary, the available evidence is currently insufficient to determine the role of this variant in disease. Therefore, it has been classified as a Variant of Uncertain Significance.

Breakthrough Genomics
Classification: Uncertain significance. Review status: criteria provided, single submitter. Criteria: ACMG Guidelines, 2015. Collection method: not provided. Allele origin: germline. Inheritance: Autosomal dominant inheritance. Affected: yes.